The following is an entry in ClinVar:

ClinVar aggregate classification (germline): Uncertain significance (1 of 4 stars; one submission).

Conditions:
Insulin-dependent diabetes mellitus secretory diarrhea syndrome (IPEX). Also called: IMMUNODEFICIENCY, POLYENDOCRINOPATHY, AND ENTEROPATHY, X-LINKED; IPEX and IPEX-Like; X-Linked Autoimmunity-Allergic Dysregulation Syndrome; DIABETES MELLITUS, CONGENITAL INSULIN-DEPENDENT, WITH FATAL SECRETORY DIARRHEA; DIARRHEA, POLYENDOCRINOPATHY, FATAL INFECTION SYNDROME, X-LINKED; ENTEROPATHY, AUTOIMMUNE, WITH HEMOLYTIC ANEMIA AND POLYENDOCRINOPATHY. Identifiers: Orphanet 37042, MedGen C0342288, MONDO:0010580, OMIM 304790. Disease mechanism: loss of function.

Submission:

Labcorp Genetics (formerly Invitae), Labcorp
Classification: Uncertain significance for Insulin-dependent diabetes mellitus secretory diarrhea syndrome. Last evaluated: 2025-10-06. Review status: criteria provided, single submitter. Criteria: Invitae Variant Classification Sherloc (09022015). Collection method: clinical testing. Allele origin: germline.
Comment: This sequence change replaces valine, which is neutral and non-polar, with alanine, which is neutral and non-polar, at codon 161 of the FOXP3 protein (p.Val161Ala). This variant is not present in population databases (gnomAD no frequency). This variant has not been reported in the literature in individuals affected with FOXP3-related conditions. ClinVar contains an entry for this variant (Variation ID: 2185400). Invitae Evidence Modeling of protein sequence and biophysical properties (such as structural, functional, and spatial information, amino acid conservation, physicochemical variation, residue mobility, and thermodynamic stability) indicates that this missense variant is not expected to disrupt FOXP3 protein function with a negative predictive value of 80%. In summary, the available evidence is currently insufficient to determine the role of this variant in disease. Therefore, it has been classified as a Variant of Uncertain Significance.

NM_014009.4(FOXP3):c.482T>C (p.Val161Ala)

Gene: FOXP3 (forkhead box P3; minus strand). Cytogenetic location: Xp11.23.
Variant type: single nucleotide variant.
Coding change: c.482T>C on transcript NM_014009.4 (MANE Select); coding-DNA position 482, T replaced by C.
Protein change: p.Val161Ala; replaces valine 161 with alanine.
Molecular consequence: missense variant.
Genome position (GRCh38, 1-based): chrX:49,256,985, A>G on the plus strand (T>C on the coding strand, the complement: FOXP3 is on the minus strand). VCF-style: chrX-49256985-A-G. GRCh37 (hg19) VCF-style: chrX-49113442-A-G.
Other names: c.377T>C, p.Val126Ala (NM_001114377.2); short protein forms V126A, V161A.
Identifiers: ClinVar variation 2185400 (VCV002185400.4), dbSNP rs1243920194, ClinGen allele CA412952541.